The following is an entry in ClinVar:

ClinVar aggregate classification (germline): Uncertain significance (1 of 4 stars; one submission).

Allele frequency attached by ClinVar (database versions not stated): gnomAD 0.00001.
gnomAD v4.1: 8 of 1,505,704 alleles (0.00053%); highest among the groups gnomAD compares: Admixed American, 0.002%; no homozygotes.

Submission:

Labcorp Genetics (formerly Invitae), Labcorp
Classification: Uncertain significance. Last evaluated: 2022-07-27. Review status: criteria provided, single submitter. Criteria: Invitae Variant Classification Sherloc (09022015). Collection method: clinical testing. Allele origin: germline.
Comment: In summary, the available evidence is currently insufficient to determine the role of this variant in disease. Therefore, it has been classified as a Variant of Uncertain Significance. Algorithms developed to predict the effect of missense changes on protein structure and function are either unavailable or do not agree on the potential impact of this missense change (SIFT: "Deleterious"; PolyPhen-2: "Benign"; Align-GVGD: "Class C0"). This variant has not been reported in the literature in individuals affected with DSCAML1-related conditions. The frequency data for this variant in the population databases is considered unreliable, as metrics indicate poor data quality at this position in the gnomAD database. This sequence change replaces alanine, which is neutral and non-polar, with valine, which is neutral and non-polar, at codon 2047 of the DSCAML1 protein (p.Ala2047Val).

NM_020693.4(DSCAML1):c.5960C>T (p.Ala1987Val)

Gene: DSCAML1 (DS cell adhesion molecule like 1; minus strand). Cytogenetic location: 11q23.3.
Variant type: single nucleotide variant.
Coding change: c.5960C>T on transcript NM_020693.4 (MANE Select); coding-DNA position 5960, C replaced by T.
Protein change: p.Ala1987Val; replaces alanine 1987 with valine.
Molecular consequence: missense variant.
Genome position (GRCh38, 1-based): chr11:117,428,530, G>A on the plus strand (C>T on the coding strand, the complement: DSCAML1 is on the minus strand). VCF-style: chr11-117428530-G-A. GRCh37 (hg19) VCF-style: chr11-117299246-G-A.
Other names: short protein forms A1987V.
Identifiers: ClinVar variation 1940004 (VCV001940004.5), dbSNP rs1021902671, ClinGen allele CA229391726.